The following is an entry in ClinVar:

NM_001378183.1(PIEZO2):c.2073C>A (p.Cys691Ter)

Gene: PIEZO2 (piezo type mechanosensitive ion channel component 2; minus strand). Cytogenetic location: 18p11.22.
Variant type: single nucleotide variant.
Coding change: c.2073C>A on transcript NM_001378183.1 (MANE Select); coding-DNA position 2073, C replaced by A.
Protein change: p.Cys691Ter; replaces cysteine 691 with a stop codon.
Molecular consequence: nonsense.
Genome position (GRCh38, 1-based): chr18:10,789,175, G>T on the plus strand (C>A on the coding strand, the complement: PIEZO2 is on the minus strand). VCF-style: chr18-10789175-G-T. GRCh37 (hg19) VCF-style: chr18-10789173-G-T.
Other names: c.2073C>A, p.Cys691Ter (NM_001410871.1, NM_022068.4); short protein forms C691*.
Identifiers: ClinVar variation 1803703 (VCV001803703.3), dbSNP rs556779970, ClinGen allele CA401921706.

ClinVar aggregate classification (germline): Pathogenic (1 of 4 stars; one submission).

Conditions:
Arthrogryposis, distal, with impaired proprioception and touch (DAIPT). Identifiers: MedGen C4310692, MONDO:0014941, OMIM 617146.

gnomAD v4.1: 1 of 1,537,246 alleles (0.000065%); highest among the groups gnomAD compares: Non-Finnish European, 0.000087%; no homozygotes.

Submission:

Illumina Laboratory Services, Illumina
Classification: Pathogenic for Arthrogryposis, distal, with impaired proprioception and touch. Last evaluated: 2022-06-15. Review status: criteria provided, single submitter. Criteria: ICSLVariantClassificationCriteria RUGD 01 April 2020. Collection method: clinical testing. Allele origin: unknown.
Comment: The PIEZO2 c.2073C>A (p.Cys691Ter) nonsense variant results in the substitution of a cysteine at amino acid position 691 with a stop codon. Loss of normal protein function through either protein truncation or nonsense-mediated mRNA decay is expected. To our knowledge, this variant has not been reported in the peer-reviewed literature. This variant is not found in version 2.1.1 or version 3.1.2 of the Genome Aggregation Database. This variant was found with a second loss-of-function variant; however, the phase is unknown. Based on the available evidence, the c.2073C>A (p.Cys691Ter) variant is classified as pathogenic for distal arthrogryposis with impaired proprioception and touch.